The following is an entry in ClinVar:

NM_201253.3(CRB1):c.2687G>T (p.Cys896Phe)

Gene: CRB1 (crumbs cell polarity complex component 1; plus strand). Cytogenetic location: 1q31.3.
Variant type: single nucleotide variant.
Coding change: c.2687G>T on transcript NM_201253.3 (MANE Select); coding-DNA position 2687, G replaced by T.
Protein change: p.Cys896Phe; replaces cysteine 896 with phenylalanine.
Molecular consequence: missense variant. On other transcripts: non-coding transcript variant (2), intron variant (1).
Genome position (GRCh38, 1-based): chr1:197,429,459, G>T. VCF-style: chr1-197429459-G-T. GRCh37 (hg19) VCF-style: chr1-197398589-G-T.
Other names: c.2351G>T, p.Cys784Phe (NM_001193640.2); c.2615G>T, p.Cys872Phe (NM_001257965.2); c.2129-6141G>T (NM_001257966.2); short protein forms C784F, C896F, C872F.
Identifiers: ClinVar variation 2944553 (VCV002944553.6), dbSNP rs1571544334, ClinGen allele CA344040378.

ClinVar aggregate classification (germline): Conflicting classifications of pathogenicity. Review status: criteria provided, conflicting classifications (1 of 4 stars). 3 submissions from 3 submitters: Likely pathogenic (1); Uncertain significance (2). Last evaluated 2025-07-25.

Conditions:
Retinitis pigmentosa 12 (RP12). Also called: RP WITH OR WITHOUT PRESERVED PARAARTERIOLE RETINAL PIGMENT EPITHELIUM; RETINITIS PIGMENTOSA WITH OR WITHOUT PARAARTERIOLAR PRESERVATION OF RETINAL PIGMENT EPITHELIUM; RP WITH OR WITHOUT PPRPE. Identifiers: Orphanet 791, MedGen C1838647, MONDO:0010818, OMIM 600105.
Leber congenital amaurosis 8 (LCA8). Identifiers: Orphanet 65, MedGen C3151202, MONDO:0013453, OMIM 613835.

Submissions (3):

Women's Health and Genetics/Laboratory Corporation of America, LabCorp
Classification: Uncertain significance. Last evaluated: 2025-07-25. Review status: criteria provided, single submitter. Criteria: LabCorp Variant Classification Summary - May 2015. Collection method: clinical testing. Allele origin: germline.
Comment: Variant summary: CRB1 c.2687G>T (p.Cys896Phe) results in a non-conservative amino acid change located in the EGF-like domain (IPR000742) of the encoded protein sequence. Algorithms developed to predict the effect of missense changes on protein structure and function all suggest that this variant is likely to be disruptive. The variant was absent in 251420 control chromosomes. The available data on variant occurrences in the general population are insufficient to allow any conclusion about variant significance. c.2687G>T has been reported in at least one compound heterozygous individual affected with Retinitis Pigmentosa (e.g. Talib_2021). These data do not allow any conclusion about variant significance. To our knowledge, no experimental evidence demonstrating an impact on protein function has been reported. The following publication has been ascertained in the context of this evaluation (PMID: 33579689). ClinVar contains an entry for this variant (Variation ID: 2944553). Based on the evidence outlined above, the variant was classified as uncertain significance.

Labcorp Genetics (formerly Invitae), Labcorp
Classification: Likely pathogenic for Leber congenital amaurosis 8; Retinitis pigmentosa 12. Last evaluated: 2023-02-20. Review status: criteria provided, single submitter. Criteria: Invitae Variant Classification Sherloc (09022015). Collection method: clinical testing. Allele origin: germline.
Comment: In summary, the currently available evidence indicates that the variant is pathogenic, but additional data are needed to prove that conclusively. Therefore, this variant has been classified as Likely Pathogenic. This variant disrupts the p.Cys896 amino acid residue in CRB1. Other variant(s) that disrupt this residue have been determined to be pathogenic (PMID: 27353947, 32531858, 33090715, 33579689). This suggests that this residue is clinically significant, and that variants that disrupt this residue are likely to be disease-causing. Advanced modeling of protein sequence and biophysical properties (such as structural, functional, and spatial information, amino acid conservation, physicochemical variation, residue mobility, and thermodynamic stability) performed at Invitae indicates that this missense variant is expected to disrupt CRB1 protein function. This missense change has been observed in individual(s) with retinitis pigmentosa (PMID: 33579689). This variant is not present in population databases (gnomAD no frequency). This sequence change replaces cysteine, which is neutral and slightly polar, with phenylalanine, which is neutral and non-polar, at codon 896 of the CRB1 protein (p.Cys896Phe).

Blueprint Genetics
Classification: Uncertain significance. Last evaluated: 2019-09-06. Review status: criteria provided, single submitter. Criteria: ACMG Guidelines, 2015. Collection method: clinical testing. Allele origin: germline.

Literature cited by the submitters: PubMed 33579689 (cited by Women's Health and Genetics/Laboratory Corporation of America, LabCorp and Labcorp Genetics (formerly Invitae), Labcorp); PubMed 27353947 (cited by Labcorp Genetics (formerly Invitae), Labcorp); PubMed 32531858 (cited by Labcorp Genetics (formerly Invitae), Labcorp); PubMed 33090715 (cited by Labcorp Genetics (formerly Invitae), Labcorp).